The following is an entry in ClinVar:

ClinVar aggregate classification (germline): Benign/Likely benign. Review status: criteria provided, multiple submitters, no conflicts (2 of 4 stars). 7 submissions from 7 submitters: Benign (4); Likely benign (1). 2 of the submissions do not count toward it. Last evaluated 2026-02-01.

Conditions:
Distal arthrogryposis type 2B1 (DA2B1). Also called: Arthrogryposis multiplex congenita distal type II with craniofacial abnormalities. Identifiers: Orphanet 1147, MedGen C5193014, MONDO:0020820, OMIM 601680.

Allele frequency attached by ClinVar (database versions not stated): gnomAD exomes 0.01457 and 0.02101; ExAC 0.02371; gnomAD 0.03899 and 0.03978; TOPMed 0.04132; ESP Exome Variant Server 0.04176; 1000 Genomes Project 30x 0.04560; 1000 Genomes Project 0.04613.
gnomAD v4.1: 27,467 of 1,613,608 alleles (1.7%); highest among the groups gnomAD compares: African/African-American, 10%; 675 homozygotes.

Submissions (7):

Labcorp Genetics (formerly Invitae), Labcorp
Classification: Benign. Last evaluated: 2026-02-01. Review status: criteria provided, single submitter. Criteria: Invitae Variant Classification Sherloc (09022015). Collection method: clinical testing. Allele origin: germline.

GeneDx
Classification: Benign. Last evaluated: 2019-11-14. Review status: criteria provided, single submitter. Criteria: GeneDx Variant Classification Process June 2021. Collection method: clinical testing. Allele origin: germline. Affected: yes.

Illumina Laboratory Services, Illumina
Classification: Benign for Distal arthrogryposis type 2B1. Last evaluated: 2018-01-13. Review status: criteria provided, single submitter. Criteria: ICSL Variant Classification Criteria 13 December 2019. Collection method: clinical testing. Allele origin: germline.
Comment: This variant was observed in the ICSL laboratory as part of a predisposition screen in an ostensibly healthy population. It had not been previously curated by ICSL or reported in the Human Gene Mutation Database (HGMD: prior to June 1st, 2018), and was therefore a candidate for classification through an automated scoring system. Utilizing variant allele frequency, disease prevalence and penetrance estimates, and inheritance mode, an automated score was calculated to assess if this variant is too frequent to cause the disease. Based on the score and internal cut-off values, a variant classified as benign is not then subjected to further curation. The score for this variant resulted in a classification of benign for this disease.

Breakthrough Genomics
Classification: Likely benign. Review status: criteria provided, single submitter. Criteria: ACMG Guidelines, 2015. Collection method: not provided. Allele origin: germline. Inheritance: Autosomal dominant inheritance. Affected: yes.

PreventionGenetics, part of Exact Sciences
Classification: Benign. Review status: criteria provided, single submitter. Criteria: ACMG Guidelines, 2015. Collection method: clinical testing. Allele origin: germline.

Leiden Muscular Dystrophy (TNNT3)
No classification provided. Last evaluated: 2012-03-18. Review status: no classification provided. Collection method: curation. Allele origin: germline. Not counted in ClinVar's aggregate classification.

Genetic Services Laboratory, University of Chicago
Classification: Likely benign for AllHighlyPenetrant. Review status: no assertion criteria provided. Collection method: clinical testing. Allele origin: germline. Inheritance: Autosomal dominant inheritance. Not counted in ClinVar's aggregate classification.
Comment: Likely benign based on allele frequency in 1000 Genomes Project or ESP global frequency and its presence in a patient with a rare or unrelated disease phenotype. NOT Sanger confirmed.

NM_006757.4(TNNT3):c.636T>C (p.Ile212=)

Gene: TNNT3 (troponin T3, fast skeletal type; plus strand). Cytogenetic location: 11p15.5.
Variant type: single nucleotide variant.
Coding change: c.636T>C on transcript NM_006757.4 (MANE Select); coding-DNA position 636, T replaced by C.
Protein change: p.Ile212=; no amino-acid change (isoleucine 212 retained).
Molecular consequence: synonymous variant.
Genome position (GRCh38, 1-based): chr11:1,934,874, T>C. VCF-style: chr11-1934874-T-C. GRCh37 (hg19) VCF-style: chr11-1956104-T-C.
Other names: c.612T>C, p.Ile204= (NM_001367845.1, NM_001042780.3, NM_001042782.3 and 2 more transcripts); c.669T>C, p.Ile223= (NM_001367846.1); c.645T>C, p.Ile215= (NM_001367847.1, NM_001363561.2); c.633T>C, p.Ile211= (NM_001367848.1); c.624T>C, p.Ile208= (NM_001367849.1); c.579T>C, p.Ile193= (NM_001367850.1); c.432T>C, p.Ile144= (NM_001367851.1, NM_001367852.1); c.630T>C, p.Ile210= (NM_001042781.3, NM_001367842.1, NM_001367843.1).
Identifiers: ClinVar variation 31871 (VCV000031871.20), dbSNP rs16927166, ClinGen allele CA155746.